The following is an entry in ClinVar:

NM_002960.2(S100A3):c.25G>T (p.Val9Leu)

Genes: S100A3 (S100 calcium binding protein A3; minus strand), LOC101928034 (uncharacterized LOC101928034; plus strand). Cytogenetic location: 1q21.3.
Variant type: single nucleotide variant.
Coding change: c.25G>T on transcript NM_002960.2 (MANE Select); coding-DNA position 25, G replaced by T.
Protein change: p.Val9Leu; replaces valine 9 with leucine.
Molecular consequence: missense variant. On other transcripts: non-coding transcript variant (1).
Genome position (GRCh38, 1-based): chr1:153,548,461, C>A on the plus strand (G>T on the coding strand, the complement: S100A3 is on the minus strand). VCF-style: chr1-153548461-C-A. GRCh37 (hg19) VCF-style: chr1-153520937-C-A.
Other names: short protein forms V9L.
Identifiers: ClinVar variation 161603 (VCV000161603.2), dbSNP rs193921084, ClinGen allele CA174430.

ClinVar aggregate classification (germline): Uncertain significance (0 of 4 stars; one submission).

Conditions:
Prostate cancer. Also called: Malignant tumor of prostate. Identifiers: Orphanet 1331, MedGen C0376358, MONDO:0008315, HP:0012125.

Submission:

Science for Life laboratory,  Karolinska Institutet
Classification: Uncertain significance for Malignant tumor of prostate. Review status: no assertion criteria provided. Collection method: not provided. Allele origin: somatic.
Comment: TumorID:SWE-90B
ClinVar note: Converted during submission from Unknown to Uncertain significance.